The following is an entry in ClinVar:

ClinVar aggregate classification (germline): Uncertain significance (1 of 4 stars; one submission).

Submission:

Ambry Genetics
Classification: Uncertain significance. Last evaluated: 2023-06-17. Review status: criteria provided, single submitter. Criteria: Ambry Variant Classification Scheme 2023. Collection method: clinical testing. Allele origin: germline.
Comment: The p.G16R variant (also known as c.46G>C), located in coding exon 1 of the FAM175A gene, results from a G to C substitution at nucleotide position 46. The glycine at codon 16 is replaced by arginine, an amino acid with dissimilar properties. This amino acid position is conserved. In addition, this alteration is predicted to be deleterious by in silico analysis. Since supporting evidence is limited at this time, the clinical significance of this alteration remains unclear.

NM_139076.3(ABRAXAS1):c.46G>C (p.Gly16Arg)

Genes: ABRAXAS1 (abraxas 1, BRCA1 A complex subunit; minus strand), LOC129992784 (ATAC-STARR-seq lymphoblastoid silent region 15542; plus strand). Cytogenetic location: 4q21.23.
Variant type: single nucleotide variant.
Coding change: c.46G>C on transcript NM_139076.3 (MANE Select); coding-DNA position 46, G replaced by C.
Protein change: p.Gly16Arg; replaces glycine 16 with arginine.
Molecular consequence: missense variant. On other transcripts: 5 prime UTR variant (1).
Genome position (GRCh38, 1-based): chr4:83,485,027, C>G on the plus strand (G>C on the coding strand, the complement: ABRAXAS1 is on the minus strand). VCF-style: chr4-83485027-C-G. GRCh37 (hg19) VCF-style: chr4-84406180-C-G.
Other names: c.-215G>C (NM_001345962.2); short protein forms G16R.
Identifiers: ClinVar variation 2624489 (VCV002624489.2), dbSNP rs1723134106, ClinGen allele CA357263999.